The following continues an entry in ClinVar:

NM_000051.4(ATM):c.7271T>G (p.Val2424Gly)

ClinVar aggregate classification (germline): Pathogenic. Pathogenic (1).

Submissions 7 to 14 of 40:

Victorian Clinical Genetics Services, Murdoch Childrens Research Institute
Classification: Pathogenic for Familial cancer of breast. Last evaluated: 2025-06-30. Review status: criteria provided, single submitter. Criteria: ACMG Guidelines, 2015. Collection method: clinical testing. Allele origin: germline. Affected: yes. Not counted in ClinVar's aggregate classification.
Comment: This variant is classified as Pathogenic. Evidence in support of pathogenic classification: Variant is present in gnomAD <0.01 for a condition (12 heterozygotes, 0 homozygotes); This variant has strong previous evidence of pathogenicity in unrelated individuals. This variant has been reported in a homozygous or compound heterozygous state in multiple individuals with ataxia-telangiectasia, with a predominantly mild form of disease (ClinVar, PMID: 9463314, 30549301). This variant has also been reported to cause a significantly increased risk of breast cancer (ClinVar, PMID: 27595995). Lifetime risk of breast cancer for this variant is 52-69% (PMID: 16958054, 26662178); This variant has strong functional evidence supporting abnormal protein function. Functional studies on patient cells and transfected human cell lines show that this variant results in protein expression similar to wild-type, but significantly reduced kinase activity (PMID: 11382771, 18634022). This variant may act in a dominant negative manner (PMID: 11830610, 17001622); Missense variant consistently predicted to be damaging by multiple in silico tools or highly conserved with a major amino acid change. Additional information: Variant is predicted to result in a missense amino acid change from valine to glycine; This variant is heterozygous; This gene is associated with autosomal recessive ataxia-telangiectasia. However, heterozygous carriers of specific pathogenic variants have an increased risk of breast cancer (PMID: 27595995). Germline variants in this gene may also contribute to increased risk of other cancers including gastic, colorectal, and pancreatic cancers, however the risk is not well-established at this stage (PMID: 22585167, 27978560, 26506520); Variant is located in the annotated FAT domain (Pfam); Loss of function is a known mechanism of disease in this gene and is associated with ataxia-telangiectasia (MIM#208900) and susceptibility to breast cancer (MIM#114480); Variants in this gene are known to have variable expressivity with regard to ataxia-telangiectasia. Variable age of onset and rate of disease progression have been reported for affected individuals within the same family (PMIDs: 20301790, 27884168).

Natera, Inc.
Classification: Pathogenic for Ataxia-telangiectasia. Last evaluated: 2025-01-22. Review status: criteria provided, single submitter. Criteria: Natera Variant Classification Schema (03/2026). Collection method: clinical testing. Allele origin: germline. Not counted in ClinVar's aggregate classification.
Comment: The c.7271T>G variant in ATM is a missense variant predicted to cause substitution of valine to glycine at amino acid 2424. This variant is rare in the general population with a frequency below the threshold expected for the associated phenotype(s). This variant has been observed in one or more individuals affected with the associated recessive disease, as either homozygous or compound heterozygous with a second variant (PMID: 30549301). Given the available evidence, this variant is classified as Pathogenic.

Institute for Genomic Medicine (IGM) Clinical Laboratory, Nationwide Children's Hospital
Classification: Pathogenic for ATM-related cancer predisposition. Last evaluated: 2024-12-26. Review status: criteria provided, single submitter. Criteria: ACMG Guidelines, 2015. Collection method: clinical testing. Allele origin: germline. Not counted in ClinVar's aggregate classification.
Comment: Well-established functional studies have demonstrated this variant to have a damaging effect on protein function or splicing (ACMG/AMP: PS3_Moderate; PMIDs:19431188, 18634020). This variant has been reported at an elevated frequency in affected individuals/in multiple affected individuals in the literature (ACMG/AMP: PS4; PMIDs:16958054, 21787400). This variant is absent from or present at an exceedingly low frequency in gnomAD, a large-scale control population database (ACMG/AMP: PM2). This variant has been observed in trans with a pathogenic variant (ACMG/AMP: PM3; PMIDs:27528516, 18575927). This variant has been shown to segregate with disease in multiple affected family members (ACMG/AMP: PP1; PMIDs:9463314, 18575927). This variant is predicted to alter protein function or structure, or disrupt splicing by multiple in silico tools (ACMG/AMP: PP3).

Athena Diagnostics
Classification: Pathogenic. Last evaluated: 2024-12-17. Review status: criteria provided, single submitter. Criteria: Athena Diagnostics Criteria. Collection method: clinical testing. Allele origin: unknown. Not counted in ClinVar's aggregate classification.
Comment: The frequency of this variant in the general population is consistent with pathogenicity. (Genome Aggregation Database (gnomAD), Cambridge, MA (URL)) This variant has been identified in multiple unrelated individuals with clinical features of autosomal recessive ataxia-telangiectasia and segregates with disease in at least one family. This variant has been associated with a milder form of ataxia-telangiectasia. The variant has also been observed in the heterozygous state in multiple individuals with breast cancer. Published estimated cumulative breast cancer risk to age 70 years for this variant is 34%-60% (PMIDs: 17001622, 16958054, 11830610). Assessment of experimental evidence suggests this variant results in abnormal protein function. (PMID: 11382771, 11830610, 18634022, 19431188)

Quest Diagnostics Nichols Institute San Juan Capistrano
Classification: Pathogenic. Last evaluated: 2024-12-17. Review status: criteria provided, single submitter. Criteria: Quest Diagnostics criteria. Collection method: clinical testing. Allele origin: unknown. Not counted in ClinVar's aggregate classification.
Comment: The frequency of this variant in the general population, 0.000085 (11/128854 chromosomes), is uninformative in assessment of its pathogenicity. In the published literature, the variant has been reported in multiple individuals/families with breast cancer (PMIDs: 32427313 (2020), 27798748 (2017), 25186627 (2015), 24733792 (2014), 16958054 (2006), 16832357 (2006), 17001622 (2006), 14562025 (2003)) as well as individuals with other cancers such as gastric, prostate, or leukemia (PMIDs: 32338768 (2020), 26506520 (2015), 9892178 (1999), 9288106 (1997)). This variant was shown to be strongly associated with breast cancer risk among Caucasian women (PMIDs: 27595995 (2016), 21787400 (2011)), with estimated cumulative breast cancer risk to age 70 years (penetrance) 34-60% (PMIDs: 17001622 (2006), 16958054 (2006), 11830610 (2002)). In addition, this variant has been reported in individuals/families with ataxia-telangiectasia (PMIDs: 30549301 (2019), 18575927 (2008), 9463314 (1998), 8755918 (1996)). Furthermore, experimental studies have demonstrated that this variant results in reduced/ ATM kinase activity (PMID: 18634022 (2009), 11830610 (2002), 11382771 (2001)). Based on the available information, this variant is classified as pathogenic.

Blueprint Genetics
Classification: Pathogenic for ATM-related disorders. Last evaluated: 2024-10-31. Review status: criteria provided, single submitter. Criteria: ACMG Guidelines, 2015. Collection method: clinical testing. Allele origin: germline. Affected: yes. Observed: 5 variant alleles. Not counted in ClinVar's aggregate classification.

Ambry Genetics
Classification: Pathogenic for Hereditary cancer-predisposing syndrome. Last evaluated: 2024-07-04. Review status: criteria provided, single submitter. Criteria: Ambry Variant Classification Scheme 2023. Collection method: clinical testing. Allele origin: germline. Not counted in ClinVar's aggregate classification.
Comment: The p.V2424G pathogenic mutation (also known as c.7271T>G), located in coding exon 48 of the ATM gene, results from a T to G substitution at nucleotide position 7271. The valine at codon 2424 is replaced by glycine, an amino acid with dissimilar properties. This alteration has been reported in individuals with ataxia-telangiectasia (AT) (McConville CM et al. Am. J. Hum. Genet. 1996 Aug;59:320-30; Stankovic T et al. Am. J. Hum. Genet. 1998 Feb;62:334-45; Marelli C et al. Hum. Mutat. 2016 Dec;37:1340-1353), colorectal cancer (Pearlman R et al. JAMA Oncol. 2017 Apr;3:464-471) as well as individuals with personal history of breast cancer (Kurian AW et al. J. Clin. Oncol. 2014 Jul;32:2001-9; Tung N et al. Cancer. 2015 Jan;121:25-33; Southey MC et al. J. Med. Genet. 2016 12;53:800-811; Susswein LR et al. Genet. Med. 2016 08;18:823-32; Moran O et al. Breast Cancer Res. Treat. 2017 01;161:135-142; Decker B et al. J. Med. Genet. 2017 Nov;54:732-741). This alteration impacts an evolutionarily conserved residue in the 3' FAT functional domain of the ATM protein and has been shown to act in a dominant-negative manner (Tavtigian S et al. Am. J. Hum. Genet. 2009 Oct;85:427-46; Waddell N et al. Genes Chromosomes Cancer. 2006 Dec;45:1169-81). In a large case-control study the p.V2424G pathogenic mutation was shown to be associated with a significantly increased risk for breast cancer (OR=11.0, 95% CI 1.42 to 85.7) (Southey MC et al. J. Med. Genet. 2016 12;53:800-811). Pedigree analyses of numerous p.V2424G-carrier families with multiple cases of breast cancer have produced lifetime cumulative breast cancer risk estimates ranging from 52% to 69% for this specific allele (Stankovic T et al. Am. J. Hum. Genet. 1998 Feb;62:334-45; Chenevix-Trench G et al. J. Natl. Cancer Inst. 2002 Feb;94:205-15; Bernstein JL et al. Hum. Mutat. 2006 Nov;27:1122-8; Goldgar D et al. Breast Cancer Res. 2011 Jul;13:R73). Functional assays show that this mutation retains some residual kinase activity and has been seen in some patients with a milder AT phenotype (Thompson D et al. J. Natl. Cancer Inst. 2005 Jun;97:813-22; Barone G et al. Hum. Mutat. 2009 Aug;30:1222-30). Based on the majority of available evidence to date, this alteration is interpreted as a disease-causing mutation.

NHS Central & South Genomic Laboratory Hub
Classification: Pathogenic for Inherited breast cancer and ovarian cancer. Last evaluated: 2024-07-01. Review status: criteria provided, single submitter. Criteria: ACMG Guidelines, 2015. Collection method: clinical testing. Allele origin: germline. Affected: yes. Not counted in ClinVar's aggregate classification.